The following is an entry in ClinVar:

ClinVar aggregate classification (germline): Conflicting classifications of pathogenicity. Review status: criteria provided, conflicting classifications (1 of 4 stars). 3 submissions from 3 submitters: Likely pathogenic (1); Uncertain significance (1); Likely benign (1). Last evaluated 2026-04-04.

Conditions:
Androgen resistance syndrome (AIS). Also called: Androgen insensitivity, complete; Androgen insensitivity syndrome; DHTR DEFICIENCY; ANDROGEN RECEPTOR DEFICIENCY; DIHYDROTESTOSTERONE RECEPTOR DEFICIENCY; TESTICULAR FEMINIZATION SYNDROME. Identifiers: Orphanet 754, Orphanet 99429, MedGen C0039585, MONDO:0019154, OMIM 300068. Disease mechanism: loss of function.
Kennedy disease (SMAX1). Also called: Spinal and Bulbar Muscular Atrophy; SPINAL AND BULBAR MUSCULAR ATROPHY, X-LINKED 1; KENNEDY SPINAL AND BULBAR MUSCULAR ATROPHY. Identifiers: Orphanet 481, MedGen C1839259, MONDO:0010735, OMIM 313200.
Male infertility. Identifiers: MedGen C0021364, MeSH D007248, MONDO:0005372, HP:0003251.

Allele frequency attached by ClinVar (database versions not stated): gnomAD 0.00002 and 0.00004; gnomAD exomes 0.00004 and 0.00005; ExAC 0.00013; 1000 Genomes Project 0.00053; 1000 Genomes Project 30x 0.00083.
gnomAD v4.1: 55 of 1,203,937 alleles (0.0046%); highest among the groups gnomAD compares: Middle Eastern, 0.023%; no homozygotes.

Submissions (3):

Centre for Medical Genetics,  Mumbai
Classification: Likely benign for Kennedy disease. Last evaluated: 2026-04-04. Review status: criteria provided, single submitter. Criteria: ACMG Guidelines, 2015. Collection method: provider interpretation. Allele origin: germline. Inheritance: X-linked recessive inheritance. Affected: no. Observed: 1 variant allele, 1 homozygote.
Comment: The variant satisfies PM2 criteria; Extremely low frequency in gnomAD population databases. The variant satisfies PP3 criteria; For a missense or a splicing region variant, computational prediction tools unanimously support a deleterious effect on the gene. The variant satisfies PP2 criteria; Missense variant in a gene with low rate of benign missense mutations and for which missense mutation is a common mechanism of a disease. However, the variant satisfies BS2 criteria.

Institute of Reproductive Genetics, University of Münster
Classification: Likely pathogenic for Male infertility. Last evaluated: 2024-01-16. Review status: criteria provided, single submitter. Criteria: Uk Practice Guidelines For Variant Classification V4 01 2020. Collection method: research, in vitro. Allele origin: germline, not applicable. Observed: 1 variant allele, 1 hemizygote.

Genomic Research Center, Shahid Beheshti University of Medical Sciences
Classification: Uncertain significance for Androgen resistance syndrome. Last evaluated: 2017-12-03. Review status: criteria provided, single submitter. Criteria: ACMG Guidelines, 2015. Collection method: clinical testing. Allele origin: inherited. Affected: yes.

Literature cited by the submitters: PubMed 2062380 (cited by Centre for Medical Genetics,  Mumbai).

NM_000044.6(AR):c.1513C>A (p.Pro505Thr)

Gene: AR (androgen receptor; plus strand). Cytogenetic location: Xq12.
Variant type: single nucleotide variant.
Coding change: c.1513C>A on transcript NM_000044.6 (MANE Select); coding-DNA position 1513, C replaced by A.
Protein change: p.Pro505Thr; replaces proline 505 with threonine.
Molecular consequence: missense variant. On other transcripts: 5 prime UTR variant (1).
Genome position (GRCh38, 1-based): chrX:67,546,659, C>A. VCF-style: chrX-67546659-C-A. GRCh37 (hg19) VCF-style: chrX-66766501-C-A.
Other names: c.-271C>A (NM_001011645.3); c.1513C>A, p.Pro505Thr (NM_001348061.1, NM_001348063.1, NM_001348064.1); short protein forms P505T.
Identifiers: ClinVar variation 522694 (VCV000522694.5), dbSNP rs764238988, ClinGen allele CA10436449.